The following is an entry in ClinVar:

ClinVar aggregate classification (germline): Likely benign (1 of 4 stars; one submission).

Conditions:
PKHD1-related disorder. Also called: PKHD1-related condition.

gnomAD v4.1: 1 of 1,613,584 alleles (0.000062%); highest among the groups gnomAD compares: Non-Finnish European, 0.000085%; no homozygotes.

Submission:

PreventionGenetics, part of Exact Sciences
Classification: Likely benign for PKHD1-related condition. Last evaluated: 2026-08-26. Review status: criteria provided, single submitter. Criteria: ACMG Guidelines, 2015. Collection method: clinical testing. Allele origin: germline.
Comment: This variant is classified as likely benign based on ACMG/AMP sequence variant interpretation guidelines (Richards et al. 2015 PMID: 25741868, with internal and published modifications).

NM_138694.4(PKHD1):c.8925G>A (p.Arg2975=)

Gene: PKHD1 (PKHD1 ciliary IPT domain containing fibrocystin/polyductin; minus strand). Cytogenetic location: 6p12.3.
Variant type: single nucleotide variant.
Coding change: c.8925G>A on transcript NM_138694.4 (MANE Select); coding-DNA position 8925, G replaced by A.
Protein change: p.Arg2975=; no amino-acid change (arginine 2975 retained).
Molecular consequence: synonymous variant.
Genome position (GRCh38, 1-based): chr6:51,753,226, C>T on the plus strand (G>A on the coding strand, the complement: PKHD1 is on the minus strand). VCF-style: chr6-51753226-C-T. GRCh37 (hg19) VCF-style: chr6-51618024-C-T.
Other names: c.8925G>A, p.Arg2975= (NM_170724.3).
Identifiers: ClinVar variation 4992814 (VCV004992814.1).